The following is an entry in ClinVar:

NM_000059.4(BRCA2):c.5144T>C (p.Leu1715Ser)

Gene: BRCA2 (BRCA2 DNA repair associated; plus strand). Cytogenetic location: 13q13.1.
Variant type: single nucleotide variant.
Coding change: c.5144T>C on transcript NM_000059.4 (MANE Select); coding-DNA position 5144, T replaced by C.
Protein change: p.Leu1715Ser; replaces leucine 1715 with serine.
Molecular consequence: missense variant.
Genome position (GRCh38, 1-based): chr13:32,339,499, T>C. VCF-style: chr13-32339499-T-C. GRCh37 (hg19) VCF-style: chr13-32913636-T-C.
Other names: p.Leu1715Ser; short protein forms L1715S.
Identifiers: ClinVar variation 419381 (VCV000419381.30), dbSNP rs1064793634, ClinGen allele CA16619719.

ClinVar aggregate classification (germline): Conflicting classifications of pathogenicity. Review status: criteria provided, conflicting classifications (1 of 4 stars). 10 submissions from 10 submitters: Uncertain significance (5); Likely benign (5). Last evaluated 2026-09-14.

Conditions:
BRCA2-related disorder. Also called: BRCA2-related condition; BRCA2-related disorders. Identifiers: MedGen CN239275.
Hereditary cancer-predisposing syndrome. Also called: Hereditary Cancer Syndrome; Tumor predisposition; Hereditary neoplastic syndrome; Neoplastic Syndromes, Hereditary. Identifiers: Orphanet 140162, MedGen C0027672, MeSH D009386, MONDO:0015356.
Hereditary breast ovarian cancer syndrome. Also called: Hereditary breast and/or ovarian cancer syndrome; Breast and ovarian cancer; BRCA1- and BRCA2-Associated Hereditary Breast and Ovarian Cancer; Hereditary breast and ovarian cancer syndrome (HBOC); Hereditary breast and ovarian cancer syndrome; Hereditary breast and ovarian cancer. Identifiers: Orphanet 145, MedGen C0677776, MeSH D061325, MONDO:0003582. Disease mechanism: loss of function.
Breast-ovarian cancer, familial, susceptibility to, 2 (BROVCA2). Also called: BRCA2 Hereditary Breast and Ovarian Cancer. Identifiers: Orphanet 145, MedGen C2675520, MONDO:0012933, OMIM 612555. Disease mechanism: loss of function.

Allele frequency attached by ClinVar (database versions not stated): TOPMed below 0.00001; gnomAD 0.00001; gnomAD exomes 0.00001.
gnomAD v4.1: 5 of 1,583,154 alleles (0.00032%); highest among the groups gnomAD compares: Middle Eastern, 0.017%; no homozygotes.

Submissions (10):

PreventionGenetics, part of Exact Sciences
Classification: Uncertain significance for BRCA2-related condition. Last evaluated: 2026-09-14. Review status: criteria provided, single submitter. Criteria: ACMG Guidelines, 2015. Collection method: clinical testing. Allele origin: germline.
Comment: The BRCA2 c.5144T>C variant is predicted to result in the amino acid substitution p.Leu1715Ser. To our knowledge, this variant has not been reported in the literature in individuals with BRCA2 associated conditions. This variant is reported in 0.0071% of alleles in individuals of Latino descent in gnomAD. This variant has conflicting interpretations in ClinVar ranging from uncertain to likely benign (Variation ID: 419381). Although we suspect that this variant may be benign, at this time, the clinical significance of this variant is uncertain due to the absence of conclusive functional and genetic evidence.

Labcorp Genetics (formerly Invitae), Labcorp
Classification: Uncertain significance for Hereditary breast ovarian cancer syndrome. Last evaluated: 2026-02-02. Review status: criteria provided, single submitter. Criteria: Invitae Variant Classification Sherloc (09022015). Collection method: clinical testing. Allele origin: germline.
Comment: This sequence change replaces leucine, which is neutral and non-polar, with serine, which is neutral and polar, at codon 1715 of the BRCA2 protein (p.Leu1715Ser). This variant is present in population databases (no rsID available, gnomAD 0.007%). This variant has not been reported in the literature in individuals affected with BRCA2-related conditions. ClinVar contains an entry for this variant (Variation ID: 419381). Invitae Evidence Modeling of protein sequence and biophysical properties (such as structural, functional, and spatial information, amino acid conservation, physicochemical variation, residue mobility, and thermodynamic stability) indicates that this missense variant is not expected to disrupt BRCA2 protein function with a negative predictive value of 95%. In summary, the available evidence is currently insufficient to determine the role of this variant in disease. Therefore, it has been classified as a Variant of Uncertain Significance.

Mayo Clinic Laboratories, Mayo Clinic
Classification: Likely benign. Last evaluated: 2025-08-05. Review status: criteria provided, single submitter. Criteria: ACMG Guidelines, 2015. Collection method: clinical testing. Allele origin: germline. Observed: 1 variant allele.
Comment: BP1_strong

Quest Diagnostics Nichols Institute San Juan Capistrano
Classification: Uncertain significance. Last evaluated: 2025-03-14. Review status: criteria provided, single submitter. Criteria: Quest Diagnostics criteria. Collection method: clinical testing. Allele origin: unknown.
Comment: The BRCA2 c.5144T>C (p.Leu1715Ser) variant has been reported in the published literature in at least one reportedly healthy individual in a large-scale breast cancer association study (PMID: 33471991 (2021), see also LOVD), as well as in a breast cancer risk screening study (PMID: 38153744 (2023)). Additionally, this variant has been reported to be located in a region of the BRCA2 gene that is tolerant to missense sequence changes (PMID: 31911673 (2020)). The frequency of this variant in the general population (Genome Aggregation Database) is uninformative in the assessment of its pathogenicity. Analysis of this variant using bioinformatics tools for the prediction of the effect of amino acid changes on protein structure and function yielded predictions that this variant is benign. Based on the available information, we are unable to determine the clinical significance of this variant.

Women's Health and Genetics/Laboratory Corporation of America, LabCorp
Classification: Uncertain significance. Last evaluated: 2024-11-12. Review status: criteria provided, single submitter. Criteria: LabCorp Variant Classification Summary - May 2015. Collection method: clinical testing. Allele origin: germline.
Comment: Variant summary: BRCA2 c.5144T>C (p.Leu1715Ser) results in a non-conservative amino acid change in the encoded protein sequence. Four of five in-silico tools predict a benign effect of the variant on protein function. The variant allele was found at a frequency of 1.3e-05 in 226348 control chromosomes. The available data on variant occurrences in the general population are insufficient to allow any conclusion about variant significance. To our knowledge, no occurrence of c.5144T>C in individuals affected with Hereditary Breast And Ovarian Cancer Syndrome and no experimental evidence demonstrating its impact on protein function have been reported. ClinVar contains an entry for this variant (Variation ID: 419381). Based on the evidence outlined above, the variant was classified as uncertain significance.

GeneDx
Classification: Uncertain significance. Last evaluated: 2024-07-12. Review status: criteria provided, single submitter. Criteria: GeneDx Variant Classification Process June 2021. Collection method: clinical testing. Allele origin: germline. Affected: yes.
Comment: Identified in 0/60466 breast cancer cases and in 2/53461 unaffected controls (PMID: 33471991); In silico analysis indicates that this missense variant does not alter protein structure/function; Also known as 5372T>C; This variant is associated with the following publications: (PMID: 29884841, 32377563, 33471991)

All of Us Research Program, National Institutes of Health
Classification: Likely benign for Breast-ovarian cancer, familial, susceptibility to, 2. Last evaluated: 2023-12-01. Review status: criteria provided, single submitter. Criteria: ACMG Guidelines, 2015. Collection method: clinical testing. Allele origin: germline. Inheritance: Autosomal dominant inheritance. Observed: 2 variant alleles, 2 heterozygotes.
Comment: This study involves interpretation of variants in research participants for the purpose of population health screening. Participant phenotype was not available at the time of variant classification. Additional details can be found in publication PMID: 35346344, PMCID: PMC8962531

University of Washington Department of Laboratory Medicine, University of Washington
Classification: Likely benign for Hereditary cancer-predisposing syndrome. Last evaluated: 2023-03-23. Review status: criteria provided, single submitter. Criteria: Dines et al. (Genet Med. 2020). Collection method: curation. Allele origin: germline.
Comment: Missense variant in a coldspot region where missense variants are very unlikely to be pathogenic (PMID:31911673).

BRCA2 exon 11 coldspot. Reclassification based on statistical prior probability.

Ambry Genetics
Classification: Likely benign for Hereditary cancer-predisposing syndrome. Last evaluated: 2018-04-26. Review status: criteria provided, single submitter. Criteria: Ambry Variant Classification Scheme 2023. Collection method: clinical testing. Allele origin: germline.

Color Diagnostics, LLC DBA Color Health
Classification: Likely benign for Hereditary cancer-predisposing syndrome. Last evaluated: 2017-06-06. Review status: criteria provided, single submitter. Criteria: ACMG Guidelines, 2015. Collection method: clinical testing. Allele origin: germline.

Literature cited by the submitters: PubMed 31911673 (cited by Quest Diagnostics Nichols Institute San Juan Capistrano); PubMed 30787465 (cited by Quest Diagnostics Nichols Institute San Juan Capistrano); PubMed 36922933 (cited by Quest Diagnostics Nichols Institute San Juan Capistrano); PubMed 38153744 (cited by Quest Diagnostics Nichols Institute San Juan Capistrano); PubMed 33471991 (cited by Quest Diagnostics Nichols Institute San Juan Capistrano).